The following is an entry in ClinVar:

NM_024408.4(NOTCH2):c.3994C>T (p.Arg1332Cys)

Gene: NOTCH2 (notch receptor 2; minus strand). Cytogenetic location: 1p12.
Variant type: single nucleotide variant.
Coding change: c.3994C>T on transcript NM_024408.4 (MANE Select); coding-DNA position 3994, C replaced by T.
Protein change: p.Arg1332Cys; replaces arginine 1332 with cysteine.
Molecular consequence: missense variant.
Genome position (GRCh38, 1-based): chr1:119,926,510, G>A on the plus strand (C>T on the coding strand, the complement: NOTCH2 is on the minus strand). VCF-style: chr1-119926510-G-A. GRCh37 (hg19) VCF-style: chr1-120469133-G-A.
Other names: short protein forms R1332C.
Identifiers: ClinVar variation 2767918 (VCV002767918.4), dbSNP rs374438857, ClinGen allele CA1039935.

ClinVar aggregate classification (germline): Uncertain significance. Review status: criteria provided, multiple submitters, no conflicts (2 of 4 stars). 2 submissions from 2 submitters: Uncertain significance (2). Last evaluated 2025-08-04.

Conditions:
Alagille syndrome due to a NOTCH2 point mutation. Also called: Alagille syndrome 2. Identifiers: Orphanet 261629, Orphanet 52, MedGen C1857761, MONDO:0012439, OMIM 610205.
Hajdu-Cheney syndrome (HJCYS). Also called: ACROOSTEOLYSIS WITH OSTEOPOROSIS AND CHANGES IN SKULL AND MANDIBLE; SERPENTINE FIBULA-POLYCYSTIC KIDNEY SYNDROME; Acroosteolysis dominant type. Identifiers: Orphanet 955, MedGen C0917715, MONDO:0007057, OMIM 102500.

Allele frequency attached by ClinVar (database versions not stated): gnomAD exomes 0.00001; gnomAD 0.00006; ExAC 0.00001; TOPMed 0.00006; ESP Exome Variant Server 0.00008.
gnomAD v4.1: 20 of 1,601,466 alleles (0.0012%); highest among the groups gnomAD compares: African/African-American, 0.019%; no homozygotes.

Submissions (2):

Labcorp Genetics (formerly Invitae), Labcorp
Classification: Uncertain significance for Hajdu-Cheney syndrome. Last evaluated: 2025-08-04. Review status: criteria provided, single submitter. Criteria: Invitae Variant Classification Sherloc (09022015). Collection method: clinical testing. Allele origin: germline.
Comment: This sequence change replaces arginine, which is basic and polar, with cysteine, which is neutral and slightly polar, at codon 1332 of the NOTCH2 protein (p.Arg1332Cys). The frequency data for this variant in the population databases is considered unreliable, as metrics indicate poor data quality at this position in the gnomAD database. This variant has not been reported in the literature in individuals affected with NOTCH2-related conditions. ClinVar contains an entry for this variant (Variation ID: 2767918). Invitae Evidence Modeling of protein sequence and biophysical properties (such as structural, functional, and spatial information, amino acid conservation, physicochemical variation, residue mobility, and thermodynamic stability) indicates that this missense variant is not expected to disrupt NOTCH2 protein function with a negative predictive value of 80%. In summary, the available evidence is currently insufficient to determine the role of this variant in disease. Therefore, it has been classified as a Variant of Uncertain Significance.

Fulgent Genetics
Classification: Uncertain significance for Hajdu-Cheney syndrome; Alagille syndrome due to a NOTCH2 point mutation. Last evaluated: 2024-01-09. Review status: criteria provided, single submitter. Criteria: ACMG Guidelines, 2015. Collection method: clinical testing. Allele origin: germline.